The following is an entry in ClinVar:

NM_001329943.3(KIAA0586):c.592A>C (p.Ser198Arg)

Gene: KIAA0586 (KIAA0586; plus strand). Cytogenetic location: 14q23.1.
Variant type: single nucleotide variant.
Coding change: c.592A>C on transcript NM_001329943.3 (MANE Select); coding-DNA position 592, A replaced by C.
Protein change: p.Ser198Arg; replaces serine 198 with arginine.
Molecular consequence: missense variant.
Genome position (GRCh38, 1-based): chr14:58,443,960, A>C. VCF-style: chr14-58443960-A-C. GRCh37 (hg19) VCF-style: chr14-58910678-A-C.
Other names: c.592A>C, p.Ser198Arg (NM_001329946.2, NM_001329947.2, NM_014749.5 and 1 more transcripts); c.337A>C, p.Ser113Arg (NM_001364700.1, NM_001364701.2, NM_001244191.2 and 1 more transcripts); c.751A>C, p.Ser251Arg (NM_001244189.2); c.547A>C, p.Ser183Arg (NM_001244190.2); c.460A>C, p.Ser154Arg (NM_001244192.2); c.172A>C, p.Ser58Arg (NM_001244193.2); short protein forms S113R, S198R, S183R, S251R, S154R, S58R.
Identifiers: ClinVar variation 1415451 (VCV001415451.6), dbSNP rs375374719, ClinGen allele CA7205438.

ClinVar aggregate classification (germline): Uncertain significance (1 of 4 stars; one submission).

Conditions:
Joubert syndrome 23 (JBTS23). Identifiers: Orphanet 475, MedGen C4084822, MONDO:0014664, OMIM 616490.
Short-rib thoracic dysplasia 14 with polydactyly (SRTD14). Identifiers: Orphanet 397715, MedGen C4225286, MONDO:0014688, OMIM 616546.

Allele frequency attached by ClinVar (database versions not stated): gnomAD 0.00001; gnomAD exomes 0.00001; ExAC 0.00002; TOPMed 0.00002; ESP Exome Variant Server 0.00008.
gnomAD v4.1: 4 of 1,594,392 alleles (0.00025%); highest among the groups gnomAD compares: African/African-American, 0.0027%; no homozygotes.

Submission:

Labcorp Genetics (formerly Invitae), Labcorp
Classification: Uncertain significance for Joubert syndrome 23; Short-rib thoracic dysplasia 14 with polydactyly. Last evaluated: 2022-06-27. Review status: criteria provided, single submitter. Criteria: Invitae Variant Classification Sherloc (09022015). Collection method: clinical testing. Allele origin: germline.
Comment: This variant has not been reported in the literature in individuals affected with KIAA0586-related conditions. In summary, the available evidence is currently insufficient to determine the role of this variant in disease. Therefore, it has been classified as a Variant of Uncertain Significance. Algorithms developed to predict the effect of missense changes on protein structure and function output the following: SIFT: "Deleterious"; PolyPhen-2: "Benign"; Align-GVGD: "Class C0". The arginine amino acid residue is found in multiple mammalian species, which suggests that this missense change does not adversely affect protein function. This variant is present in population databases (rs375374719, gnomAD 0.01%). This sequence change replaces serine, which is neutral and polar, with arginine, which is basic and polar, at codon 251 of the KIAA0586 protein (p.Ser251Arg).